The following is an entry in ClinVar:

ClinVar aggregate classification (germline): Uncertain significance (1 of 4 stars; one submission).

Allele frequency attached by ClinVar (database versions not stated): gnomAD 0.00001.

Submission:

Women's Health and Genetics/Laboratory Corporation of America, LabCorp
Classification: Uncertain significance. Last evaluated: 2022-08-17. Review status: criteria provided, single submitter. Criteria: LabCorp Variant Classification Summary - May 2015. Collection method: clinical testing. Allele origin: germline.
Comment: Variant summary: KIDINS220 c.3007G>A (p.Glu1003Lys) results in a conservative amino acid change in the encoded protein sequence. Three of five in-silico tools predict a damaging effect of the variant on protein function. The variant allele was found at a frequency of 6.8e-06 in 147002 control chromosomes (gnomAD v.3.1.2). The available data on variant occurrences in the general population are insufficient to allow any conclusion about variant significance. To our knowledge, no occurrence of c.3007G>A in individuals affected with Spastic Paraplegia, Intellectual Disability, Nystagmus, And Obesity and no experimental evidence demonstrating its impact on protein function have been reported. No clinical diagnostic laboratories have submitted clinical-significance assessments for this variant to ClinVar after 2014. Based on the evidence outlined above, the variant was classified as uncertain significance.

NM_020738.4(KIDINS220):c.3007G>A (p.Glu1003Lys)

Gene: KIDINS220 (kinase D interacting substrate 220; minus strand). Cytogenetic location: 2p25.1.
Variant type: single nucleotide variant.
Coding change: c.3007G>A on transcript NM_020738.4 (MANE Select); coding-DNA position 3007, G replaced by A.
Protein change: p.Glu1003Lys; replaces glutamic acid 1003 with lysine.
Molecular consequence: missense variant. On other transcripts: non-coding transcript variant (2).
Genome position (GRCh38, 1-based): chr2:8,770,674, C>T on the plus strand (G>A on the coding strand, the complement: KIDINS220 is on the minus strand). VCF-style: chr2-8770674-C-T. GRCh37 (hg19) VCF-style: chr2-8910804-C-T.
Other names: c.3010G>A, p.Glu1004Lys (NM_001348729.2, NM_001348731.2, NM_001348734.2 and 3 more transcripts); c.3007G>A, p.Glu1003Lys (NM_001348732.2, NM_001348735.2, NM_001348738.2 and 3 more transcripts); c.2881G>A, p.Glu961Lys (NM_001348736.2); short protein forms E1003K, E1004K, E961K.
Identifiers: ClinVar variation 1705121 (VCV001705121.1), dbSNP rs1180977296, ClinGen allele CA345773713.